The following is an entry in ClinVar:

NM_001382430.1(AKT1):c.1016T>C (p.Met339Thr)

Gene: AKT1 (AKT serine/threonine kinase 1; minus strand). Cytogenetic location: 14q32.33.
Variant type: single nucleotide variant.
Coding change: c.1016T>C on transcript NM_001382430.1 (MANE Select); coding-DNA position 1016, T replaced by C.
Protein change: p.Met339Thr; replaces methionine 339 with threonine.
Molecular consequence: missense variant.
Genome position (GRCh38, 1-based): chr14:104,773,034, A>G on the plus strand (T>C on the coding strand, the complement: AKT1 is on the minus strand). VCF-style: chr14-104773034-A-G. GRCh37 (hg19) VCF-style: chr14-105239371-A-G.
Other names: c.1016T>C, p.Met339Thr (NM_001014431.2, NM_001014432.2, NM_001382431.1 and 3 more transcripts); short protein forms M339T.
Identifiers: ClinVar variation 4267624 (VCV004267624.1).

ClinVar aggregate classification (germline): Uncertain significance (1 of 4 stars; one submission).

Conditions:
Inborn genetic diseases. Identifiers: MedGen C0950123, MeSH D030342.

gnomAD v4.1: 1 of 1,614,126 alleles (0.000062%); highest among the groups gnomAD compares: Non-Finnish European, 0.000085%; no homozygotes.

Submission:

Ambry Genetics
Classification: Uncertain significance for Inborn genetic diseases. Last evaluated: 2025-08-15. Review status: criteria provided, single submitter. Criteria: Ambry Variant Classification Scheme 2023. Collection method: clinical testing. Allele origin: germline.
Comment: The p.M339T variant (also known as c.1016T>C), located in coding exon 10 of the AKT1 gene, results from a T to C substitution at nucleotide position 1016. The methionine at codon 339 is replaced by threonine, an amino acid with similar properties. This amino acid position is conserved. In addition, this alteration is predicted to be deleterious by in silico analysis. Based on the available evidence, the clinical significance of this variant remains unclear.